The following is an entry in ClinVar:

ClinVar aggregate classification (germline): Likely pathogenic (1 of 4 stars; one submission).

Conditions:
Ataxia-telangiectasia syndrome (AT). Also called: LOUIS-BAR SYNDROME; Ataxia-telangiectasia, complementation group D; AT, COMPLEMENTATION GROUP C; Cerebello-oculocutaneous telangiectasia; Immunodeficiency with ataxia telangiectasia; ATAXIA-TELANGIECTASIA, COMPLEMENTATION GROUP A. Identifiers: Orphanet 100, MedGen C0004135, MONDO:0008840, OMIM 208900.

Submission:

Labcorp Genetics (formerly Invitae), Labcorp
Classification: Likely pathogenic for Ataxia-telangiectasia syndrome. Last evaluated: 2016-11-15. Review status: criteria provided, single submitter. Criteria: Invitae Variant Classification Sherloc (09022015). Collection method: clinical testing. Allele origin: germline.
Comment: This variant is a gross deletion of the genomic region encompassing exons 30-34 of the ATM gene. This leads to an in-frame deletion, preserving the integrity of the reading frame. This deletion has been observed on the opposite chromosome (in trans) from a pathogenic variant in an individual affected with ataxia-telangiectasia (PMID: 16941484). This finding is consistent with autosomal recessive inheritance and suggests that this variant contributes to disease. This variant is also known as a deletion of exons 32-36 in the literature. This variant is expected to result in the in-frame deletion of 247 amino acids in the ATM protein (p.Arg1479_Cys1726delinsSer). While this is not anticipated to result in nonsense mediated decay, it likely disrupts the structure and/or function of the ATM protein. In summary, this variant is a rare in-frame deletion that has been reported in an affected individual. This evidence indicates that the variant is pathogenic, but additional data is needed to prove that conclusively. Therefore, this variant has been classified as Likely Pathogenic.

Literature cited by the submitters: PubMed 16941484.

NC_000011.9:g.(?_108163340)_(108170618_?)del

Gene: ATM (ATM serine/threonine kinase; plus strand). Cytogenetic location: 11q22.3.
Variant type: Deletion.
Identifiers: ClinVar variation 1066287 (VCV001066287.1).